The following is an entry in ClinVar:

NM_016356.5(DCDC2):c.648G>C (p.Lys216Asn)

Gene: DCDC2 (doublecortin domain containing 2; minus strand). Cytogenetic location: 6p22.3.
Variant type: single nucleotide variant.
Coding change: c.648G>C on transcript NM_016356.5 (MANE Select); coding-DNA position 648, G replaced by C.
Protein change: p.Lys216Asn; replaces lysine 216 with asparagine.
Molecular consequence: missense variant.
Genome position (GRCh38, 1-based): chr6:24,290,988, C>G on the plus strand (G>C on the coding strand, the complement: DCDC2 is on the minus strand). VCF-style: chr6-24290988-C-G. GRCh37 (hg19) VCF-style: chr6-24291216-C-G.
Other names: c.648G>C, p.Lys216Asn (NM_001195610.2); short protein forms K216N.
Identifiers: ClinVar variation 3777465 (VCV003777465.1).
Genomic context (GRCh38, chr6:24,290,988, plus strand): 5'-TTACCCAAAAGGCCTTCTCATCGTTGACTTGTCAAAAAGTAACTCACTGTAAGGCAGTTT[C>G]TTAAACTTATCTCTGCCAACAGCCACATAAAACTGCCCATTCTCCAACTCTGCTCCACTC-3'
Protein context (NP_057440.2, residues 206-226): FYVAVGRDKF[Lys216Asn]KLPYSELLFD

ClinVar aggregate classification (germline): Uncertain significance (1 of 4 stars; one submission).

Submission:

GeneDx
Classification: Uncertain significance. Last evaluated: 2024-10-08. Review status: criteria provided, single submitter. Criteria: GeneDx Variant Classification Process June 2021. Collection method: clinical testing. Allele origin: germline. Affected: yes.
Comment: Not observed at significant frequency in large population cohorts (gnomAD); In silico analysis supports that this missense variant has a deleterious effect on protein structure/function; Has not been previously published as pathogenic or benign to our knowledge